The following is an entry in ClinVar:

ClinVar aggregate classification (germline): Likely pathogenic (1 of 4 stars; one submission).

Submission:

GeneDx
Classification: Likely pathogenic. Last evaluated: 2017-04-19. Review status: criteria provided, single submitter. Criteria: GeneDx Variant Classification (06012015). Collection method: clinical testing. Allele origin: germline. Affected: yes.
Comment: The G317S variant has not been published as a pathogenic variant, nor has it been reported as a benign variant to our knowledge. The G317S variant is not observed in large population cohorts (Lek et al., 2016; 1000 Genomes Consortium et al., 2015; Exome Variant Server). The G317S variant is a non-conservative amino acid substitution, which is likely to impact secondary protein structure as these residues differ in polarity, charge, size and/or other properties. This substitution occurs at a position that is conserved across species. In silico analysis predicts this variant is probably damaging to the protein structure/function. Furthermore, a missense variant at the same residue (G317C) has been reported in a patient with infantile onset, rapidly progressive mitochondrial encephalopathy with severe MRI abnormalities and lactic acidosis who underwent whole exome sequencing and in whom a known pathogenic EARS2 variant was identified on the opposite allele (in trans) (Steenweg et al. 2012). In summary, we interpret G317S as likely pathogenic; however, the possibility that it is benign cannot be excluded.

NM_001083614.2(EARS2):c.949G>A (p.Gly317Ser)

Gene: EARS2 (glutamyl-tRNA synthetase 2, mitochondrial; minus strand). Cytogenetic location: 16p12.2.
Variant type: single nucleotide variant.
Coding change: c.949G>A on transcript NM_001083614.2 (MANE Select); coding-DNA position 949, G replaced by A.
Protein change: p.Gly317Ser; replaces glycine 317 with serine.
Molecular consequence: missense variant. On other transcripts: non-coding transcript variant (1).
Genome position (GRCh38, 1-based): chr16:23,534,897, C>T on the plus strand (G>A on the coding strand, the complement: EARS2 is on the minus strand). VCF-style: chr16-23534897-C-T. GRCh37 (hg19) VCF-style: chr16-23546218-C-T.
Other names: c.949G>A, p.Gly317Ser (NM_001308211.1); short protein forms G317S.
Identifiers: ClinVar variation 426388 (VCV000426388.2), dbSNP rs746838793, ClinGen allele CA395132374.